The following is an entry in ClinVar:

NM_020988.3(GNAO1):c.331G>T (p.Val111Leu)

Gene: GNAO1 (G protein subunit alpha o1; plus strand). Cytogenetic location: 16q13.
Variant type: single nucleotide variant.
Coding change: c.331G>T on transcript NM_020988.3 (MANE Select); coding-DNA position 331, G replaced by T.
Protein change: p.Val111Leu; replaces valine 111 with leucine.
Molecular consequence: missense variant.
Genome position (GRCh38, 1-based): chr16:56,328,658, G>T. VCF-style: chr16-56328658-G-T. GRCh37 (hg19) VCF-style: chr16-56362570-G-T.
Other names: c.331G>T, p.Val111Leu (NM_138736.3); short protein forms V111L.
Identifiers: ClinVar variation 3639990 (VCV003639990.2).

ClinVar aggregate classification (germline): Uncertain significance (1 of 4 stars; one submission).

Conditions:
Early-infantile DEE. Also called: Early infantile epileptic encephalopathy; Ohtahara syndrome; Early infantile epileptic encephalopathy with suppression bursts. Identifiers: Orphanet 1934, MedGen C0393706, MONDO:0800491.

Submission:

Labcorp Genetics (formerly Invitae), Labcorp
Classification: Uncertain significance for Early-infantile DEE. Last evaluated: 2024-02-10. Review status: criteria provided, single submitter. Criteria: Invitae Variant Classification Sherloc (09022015). Collection method: clinical testing. Allele origin: germline.
Comment: This sequence change replaces valine, which is neutral and non-polar, with leucine, which is neutral and non-polar, at codon 111 of the GNAO1 protein (p.Val111Leu). This variant is not present in population databases (gnomAD no frequency). This variant has not been reported in the literature in individuals affected with GNAO1-related conditions. Advanced modeling of protein sequence and biophysical properties (such as structural, functional, and spatial information, amino acid conservation, physicochemical variation, residue mobility, and thermodynamic stability) performed at Invitae indicates that this missense variant is not expected to disrupt GNAO1 protein function with a negative predictive value of 80%. In summary, the available evidence is currently insufficient to determine the role of this variant in disease. Therefore, it has been classified as a Variant of Uncertain Significance.